The following is an entry in ClinVar:

ClinVar aggregate classification (germline): Uncertain significance (1 of 4 stars; one submission).

Conditions:
Developmental and epileptic encephalopathy, 53. Also called: Epileptic encephalopathy, early infantile, 53. Identifiers: MedGen C4479313, MONDO:0033362, OMIM 617389.
Early-onset Parkinson disease 20. Also called: PARKINSON DISEASE 20, AUTOSOMAL RECESSIVE EARLY-ONSET. Identifiers: Orphanet 391411, MedGen C3809824, MONDO:0014233, OMIM 615530.

Submission:

Labcorp Genetics (formerly Invitae), Labcorp
Classification: Uncertain significance for Developmental and epileptic encephalopathy, 53; Early-onset Parkinson disease 20. Last evaluated: 2020-10-09. Review status: criteria provided, single submitter. Criteria: Invitae Variant Classification Sherloc (09022015). Collection method: clinical testing. Allele origin: germline.
Comment: In summary, the available evidence is currently insufficient to determine the role of this variant in disease. Therefore, it has been classified as a Variant of Uncertain Significance. Algorithms developed to predict the effect of missense changes on protein structure and function (SIFT, PolyPhen-2, Align-GVGD) all suggest that this variant is likely to be tolerated, but these predictions have not been confirmed by published functional studies and their clinical significance is uncertain. This variant has not been reported in the literature in individuals with SYNJ1-related conditions. This variant is not present in population databases (ExAC no frequency). This sequence change replaces threonine with alanine at codon 1442 of the SYNJ1 protein (p.Thr1442Ala). The threonine residue is moderately conserved and there is a small physicochemical difference between threonine and alanine.

NM_203446.3(SYNJ1):c.*295A>G

Gene: SYNJ1 (synaptojanin 1; minus strand). Cytogenetic location: 21q22.11.
Variant type: single nucleotide variant.
Coding change: c.*295A>G on transcript NM_203446.3 (MANE Select); 295 bases downstream of the stop codon, A replaced by G.
Molecular consequence: 3 prime UTR variant. On other transcripts: missense variant (2).
Genome position (GRCh38, 1-based): chr21:32,631,510, T>C on the plus strand (A>G on the coding strand, the complement: SYNJ1 is on the minus strand). VCF-style: chr21-32631510-T-C. GRCh37 (hg19) VCF-style: chr21-34003820-T-C.
Other names: c.*295A>G (NM_001160302.2); c.4066A>G, p.Thr1356Ala (NM_001160306.2); c.4324A>G, p.Thr1442Ala (NM_003895.4); short protein forms T1356A, T1442A.
Identifiers: ClinVar variation 1042375 (VCV001042375.9), dbSNP rs2039325513, ClinGen allele CA410082020.